The following is an entry in ClinVar:

NM_003931.3(WASF1):c.262G>T (p.Glu88Ter)

Gene: WASF1 (WASP family member 1; minus strand). Cytogenetic location: 6q21.
Variant type: single nucleotide variant.
Coding change: c.262G>T on transcript NM_003931.3 (MANE Select); coding-DNA position 262, G replaced by T.
Protein change: p.Glu88Ter; replaces glutamic acid 88 with a stop codon.
Molecular consequence: nonsense.
Genome position (GRCh38, 1-based): chr6:110,113,332, C>A on the plus strand (G>T on the coding strand, the complement: WASF1 is on the minus strand). VCF-style: chr6-110113332-C-A. GRCh37 (hg19) VCF-style: chr6-110434535-C-A.
Other names: c.262G>T, p.Glu88Ter (NM_001024934.2, NM_001024935.2, NM_001024936.2); short protein forms E88*.
Identifiers: ClinVar variation 2627587 (VCV002627587.2), dbSNP rs2534240781, ClinGen allele CA365352276.

ClinVar aggregate classification (germline): Pathogenic (1 of 4 stars; one submission).

Conditions:
Neurodevelopmental disorder with absent language and variable seizures. Also called: ITO-RAYMOND SYNDROME. Identifiers: MedGen C5231469, MONDO:0032876, OMIM 618707.

Submission:

Institute of Human Genetics, University of Leipzig Medical Center
Classification: Pathogenic for Neurodevelopmental disorder with absent language and variable seizures. Last evaluated: 2023-09-20. Review status: criteria provided, single submitter. Criteria: ACMG Guidelines, 2015. Collection method: clinical testing. Allele origin: de novo. Inheritance: Autosomal dominant inheritance. Affected: yes.
Comment: Criteria applied: PVS1,PS2_MOD,PM2_SUP